The following is an entry in ClinVar:

NM_020433.5(JPH2):c.985A>G (p.Thr329Ala)

Gene: JPH2 (junctophilin 2; minus strand). Cytogenetic location: 20q13.12.
Variant type: single nucleotide variant.
Coding change: c.985A>G on transcript NM_020433.5 (MANE Select); coding-DNA position 985, A replaced by G.
Protein change: p.Thr329Ala; replaces threonine 329 with alanine.
Molecular consequence: missense variant.
Genome position (GRCh38, 1-based): chr20:44,159,802, T>C on the plus strand (A>G on the coding strand, the complement: JPH2 is on the minus strand). VCF-style: chr20-44159802-T-C. GRCh37 (hg19) VCF-style: chr20-42788442-T-C.
Other names: short protein forms T329A.
Identifiers: ClinVar variation 451989 (VCV000451989.2), dbSNP rs1555858673, ClinGen allele CA409093248.

ClinVar aggregate classification (germline): Uncertain significance (1 of 4 stars; one submission).

Submission:

GeneDx
Classification: Uncertain significance. Last evaluated: 2017-09-12. Review status: criteria provided, single submitter. Criteria: GeneDx Variant Classification (06012015). Collection method: clinical testing. Allele origin: germline. Affected: yes.
Comment: A variant of uncertain significance has been identified in the JPH2 gene. The T329A variant has not been published as pathogenic or been reported as benign to our knowledge. This variant is not observed in large population cohorts (Lek et al., 2016; 1000 Genomes Consortium et al., 2015; Exome Variant Server). The T329A variant is a non-conservative amino acid substitution, which is likely to impact secondary protein structure as these residues differ in polarity, charge, size and/or other properties. This substitution occurs at a position that is conserved across species, and in silico analysis predicts this variant is probably damaging to the protein structure/function. However, this variant lacks observation in a significant number of affected individuals, segregation data, and functional evidence, which would further clarify its pathogenicity.